The following is an entry in ClinVar:

ClinVar aggregate classification (germline): Uncertain significance (1 of 4 stars; one submission).

Conditions:
Baraitser-Winter syndrome 1 (BRWS1). Also called: BARAITSER-WINTER SYNDROME 1, ATYPICAL; PACHYGYRIA, MENTAL RETARDATION, EPILEPSY, AND CHARACTERISTIC FACIES; MENTAL RETARDATION WITH EPILEPSY AND CHARACTERISTIC FACIES; Cerebrofrontofacial syndrome. Identifiers: Orphanet 2649, Orphanet 2995, MedGen C1855722, MONDO:0009470, OMIM 243310.

Submission:

Labcorp Genetics (formerly Invitae), Labcorp
Classification: Uncertain significance for Baraitser-Winter syndrome 1. Last evaluated: 2025-08-07. Review status: criteria provided, single submitter. Criteria: Invitae Variant Classification Sherloc (09022015). Collection method: clinical testing. Allele origin: germline.
Comment: This sequence change replaces glycine, which is neutral and non-polar, with serine, which is neutral and polar, at codon 366 of the ACTB protein (p.Gly366Ser). This variant is not present in population databases (gnomAD no frequency). This variant has not been reported in the literature in individuals affected with ACTB-related conditions. Invitae Evidence Modeling of protein sequence and biophysical properties (such as structural, functional, and spatial information, amino acid conservation, physicochemical variation, residue mobility, and thermodynamic stability) indicates that this missense variant is expected to disrupt ACTB protein function with a positive predictive value of 80%. In summary, the available evidence is currently insufficient to determine the role of this variant in disease. Therefore, it has been classified as a Variant of Uncertain Significance.

NM_001101.5(ACTB):c.1096G>A (p.Gly366Ser)

Gene: ACTB (actin beta; minus strand). Cytogenetic location: 7p22.1.
Variant type: single nucleotide variant.
Coding change: c.1096G>A on transcript NM_001101.5 (MANE Select); coding-DNA position 1096, G replaced by A.
Protein change: p.Gly366Ser; replaces glycine 366 with serine.
Molecular consequence: missense variant.
Genome position (GRCh38, 1-based): chr7:5,527,780, C>T on the plus strand (G>A on the coding strand, the complement: ACTB is on the minus strand). VCF-style: chr7-5527780-C-T. GRCh37 (hg19) VCF-style: chr7-5567411-C-T.
Other names: short protein forms G366S.
Identifiers: ClinVar variation 4696128 (VCV004696128.1).
Genomic context (GRCh38, chr7:5,527,780, plus strand): 5'-GGTGTAACGCAACTAAGTCATAGTCCGCCTAGAAGCATTTGCGGTGGACGATGGAGGGGC[C>T]GGACTCGTCATACTCCTGCTTGCTGATCCACATCTGCTGGAAGGTGGACAGCGAGGCCAG-3'
Protein context (NP_001092.1, residues 356-375): WISKQEYDES[Gly366Ser]PSIVHRKCF